The following is an entry in ClinVar:

ClinVar aggregate classification (germline): Likely pathogenic. Review status: criteria provided, multiple submitters, no conflicts (2 of 4 stars). 2 submissions from 2 submitters: Likely pathogenic (2). Last evaluated 2025-12-03.

Conditions:
3-methylcrotonyl-CoA carboxylase 1 deficiency (MCC1D). Also called: MCCD TYPE 1; METHYLCROTONYLGLYCINURIA TYPE I; MCC 1 deficiency; 3 Alpha methylcrotonylglycinuria 1. Identifiers: Orphanet 6, MedGen CN028786, MONDO:0008861, OMIM 210200.

Submissions (2):

Dasa
Classification: Likely pathogenic. Last evaluated: 2025-12-03. Review status: criteria provided, single submitter. Criteria: DASA Assertion Criteria. Collection method: clinical testing. Allele origin: germline.
Comment: NM_020166.5(MCCC1):c.276_279dup (p.Glu94Argfs*2) is a frameshift variant in MCCC1 predicted to alter the reading frame and introduce a premature termination codon and is predicted to result in an absent or altered protein product. Loss of function is an established disease mechanism for MCCC1-associated disorders. Also, this variant is absent from population databases. Based on the currently available evidence, this variant is classified as likely pathogenic.

Laboratorio de Genetica e Diagnostico Molecular, Hospital Israelita Albert Einstein
Classification: Likely pathogenic for 3-methylcrotonyl-CoA carboxylase 1 deficiency. Last evaluated: 2024-11-18. Review status: criteria provided, single submitter. Criteria: ACMG Guidelines, 2015. Collection method: clinical testing. Allele origin: germline. Affected: yes.
Comment: ACMG classification criteria: PVS1 very strong, PM2 supporting

NM_020166.5(MCCC1):c.276_279dup (p.Glu94delinsArgTer)

Gene: MCCC1 (methylcrotonyl-CoA carboxylase subunit 1; minus strand). Cytogenetic location: 3q27.1.
Variant type: Duplication.
Coding change: c.276_279dup on transcript NM_020166.5 (MANE Select); coding-DNA positions 276 to 279, 4 bases duplicated (AGAT; older notation c.276_279dupAGAT).
Protein change: p.Glu94delinsArgTer.
Molecular consequence: nonsense. On other transcripts: frameshift variant (1), 5 prime UTR variant (1), non-coding transcript variant (1).
Genome position (GRCh38, 1-based): chr3:183,086,783-183,086,786, ATCT duplicated on the plus strand (AGAT on the coding strand, the reverse complement: MCCC1 is on the minus strand). VCF-style (leftmost placement, unchanged base first): chr3-183086782-C-CATCT. GRCh37 (hg19) VCF-style: chr3-182804570-C-CATCT.
Other names: c.47_50dup, p.Met17fs (NM_001293273.2); c.-52_-49dup (NM_001363880.1); short protein forms M17fs.
Identifiers: ClinVar variation 4056607 (VCV004056607.3).
Genomic context (GRCh38, chr3:183,086,782, plus strand): 5'-TGATTTTCTCCATAGATAGGTAGCTCTGCTGGGAGGGAGCGGGGCCGATGGAATATGCTT[C>CATCT]ATCTGCCTGTTTAAGAAACATCACATGCTTAAAAGACTTTGTGGCTAGTACATACTCATA-3'